The following is an entry in ClinVar:

ClinVar aggregate classification (germline): Uncertain significance. Review status: criteria provided, multiple submitters, no conflicts (2 of 4 stars). 4 submissions from 4 submitters: Uncertain significance (4). Last evaluated 2024-06-07.

Allele frequency attached by ClinVar (database versions not stated): gnomAD exomes below 0.00001 and 0.00002; TOPMed below 0.00001; ExAC 0.00001; gnomAD 0.00001.
gnomAD v4.1: 24 of 1,602,998 alleles (0.0015%); highest among the groups gnomAD compares: Non-Finnish European, 0.002%; no homozygotes.

Submissions (4):

GeneDx
Classification: Uncertain significance. Last evaluated: 2024-06-07. Review status: criteria provided, single submitter. Criteria: GeneDx Variant Classification Process June 2021. Collection method: clinical testing. Allele origin: germline. Affected: yes.
Comment: Not observed at significant frequency in large population cohorts (gnomAD); In silico analysis indicates that this missense variant does not alter protein structure/function; Has not been previously published as pathogenic or benign to our knowledge

Blueprint Genetics
Classification: Uncertain significance. Last evaluated: 2021-11-08. Review status: criteria provided, single submitter. Criteria: ACMG Guidelines, 2015. Collection method: clinical testing. Allele origin: germline.

Labcorp Genetics (formerly Invitae), Labcorp
Classification: Uncertain significance. Last evaluated: 2021-11-01. Review status: criteria provided, single submitter. Criteria: Invitae Variant Classification Sherloc (09022015). Collection method: clinical testing. Allele origin: germline.
Comment: This sequence change replaces threonine, which is neutral and polar, with alanine, which is neutral and non-polar, at codon 3012 of the ADGRV1 protein (p.Thr3012Ala). This variant is present in population databases (rs764873763, gnomAD 0.002%). This variant has not been reported in the literature in individuals affected with ADGRV1-related conditions. ClinVar contains an entry for this variant (Variation ID: 228728). Algorithms developed to predict the effect of missense changes on protein structure and function are either unavailable or do not agree on the potential impact of this missense change (SIFT: "Deleterious"; PolyPhen-2: "Probably Damaging"; Align-GVGD: "Class C0"). In summary, the available evidence is currently insufficient to determine the role of this variant in disease. Therefore, it has been classified as a Variant of Uncertain Significance.

Laboratory for Molecular Medicine, Mass General Brigham Personalized Medicine
Classification: Uncertain significance. Last evaluated: 2015-04-24. Review status: criteria provided, single submitter. Criteria: LMM Criteria. Collection method: clinical testing. Allele origin: germline. Observed: 1 variant allele.
Comment: Variant classified as Uncertain Significance - Favor Benign. The p.Thr3012Ala va riant in GPR98 has not been previously reported in individuals with hearing loss , but has been identified in 1/66294 European chromosomes by the Exome Aggregati on Consortium (ExAC). Although this variant has been seen in the general population, its frequency is not high enough to rule ou t a pathogenic role. The threonine (Thr) at position 3012 is not conserved thro ugh species, with 1 mammal (tenrec) having an alanine (Ala) at this position, su ggesting that variants at this position may be tolerated. Additional computation al prediction tools do not provide strong evidence for or against an impact to t he protein. In summary, while the clinical significance of the p.Thr3012Ala vari ant is uncertain, the lack of evolutionary conservation suggests that it is more likely to be benign.

NM_032119.4(ADGRV1):c.9034A>G (p.Thr3012Ala)

Gene: ADGRV1 (adhesion G protein-coupled receptor V1; plus strand). Cytogenetic location: 5q14.3.
Variant type: single nucleotide variant.
Coding change: c.9034A>G on transcript NM_032119.4 (MANE Select); coding-DNA position 9034, A replaced by G.
Protein change: p.Thr3012Ala; replaces threonine 3012 with alanine.
Molecular consequence: missense variant. On other transcripts: non-coding transcript variant (1).
Genome position (GRCh38, 1-based): chr5:90,711,314, A>G. VCF-style: chr5-90711314-A-G. GRCh37 (hg19) VCF-style: chr5-90007131-A-G.
Other names: short protein forms T3012A.
Identifiers: ClinVar variation 228728 (VCV000228728.10), dbSNP rs764873763, ClinGen allele CA3340418.
Genomic context (GRCh38, chr5:90,711,314, plus strand): 5'-GTTTCCTTATTTGTGTATGCTCAGAATTTGGAAGCACAAGTGGGGCTGGATTATATCTTC[A>G]CCCCAATGGTGGGTCTCAAAATCTATCACAGATGACTTTTACAAATTATTTTATAATCAT-3'
Protein context (NP_115495.3, residues 3002-3022): EAQVGLDYIF[Thr3012Ala]PMILHFADGE